The following is an entry in ClinVar:

NM_004035.7(ACOX1):c.339C>G (p.His113Gln)

Gene: ACOX1 (acyl-CoA oxidase 1; minus strand). Cytogenetic location: 17q25.1.
Variant type: single nucleotide variant.
Coding change: c.339C>G on transcript NM_004035.7 (MANE Select); coding-DNA position 339, C replaced by G.
Protein change: p.His113Gln; replaces histidine 113 with glutamine.
Molecular consequence: missense variant. On other transcripts: intron variant (1).
Genome position (GRCh38, 1-based): chr17:75,960,306, G>C on the plus strand (C>G on the coding strand, the complement: ACOX1 is on the minus strand). VCF-style: chr17-75960306-G-C. GRCh37 (hg19) VCF-style: chr17-73956387-G-C.
Other names: c.225C>G, p.His75Gln (NM_001185039.2); c.431-2740C>G (NM_007292.6); c.339C>G (NM_004035.6); short protein forms H75Q, H113Q.
Identifiers: ClinVar variation 1387761 (VCV001387761.21), dbSNP rs368106231, ClinGen allele CA8777047.

ClinVar aggregate classification (germline): Uncertain significance. Review status: criteria provided, multiple submitters, no conflicts (2 of 4 stars). 3 submissions from 3 submitters: Uncertain significance (3). Last evaluated 2025-07-03.

Conditions:
Inborn genetic diseases. Identifiers: MedGen C0950123, MeSH D030342.
Acyl-CoA oxidase deficiency. Also called: STRAIGHT-CHAIN ACYL-CoA OXIDASE DEFICIENCY; Pseudoneonatal adrenoleukodystrophy; Peroxisomal acyl-CoA oxidase deficiency. Identifiers: Orphanet 2971, MedGen C1849678, MONDO:0009919, OMIM 264470. Disease mechanism: loss of function.

gnomAD v4.1: 5 of 1,614,222 alleles (0.00031%); highest among the groups gnomAD compares: Non-Finnish European, 0.00025%; no homozygotes.

Submissions (3):

Ambry Genetics
Classification: Uncertain significance for Inborn genetic diseases. Last evaluated: 2025-07-03. Review status: criteria provided, single submitter. Criteria: Ambry Variant Classification Scheme 2023. Collection method: clinical testing. Allele origin: germline.

CeGaT Center for Human Genetics Tuebingen
Classification: Uncertain significance. Last evaluated: 2024-11-01. Review status: criteria provided, single submitter. Criteria: CeGaT Center For Human Genetics Tuebingen Variant Classification Criteria Version 2. Collection method: clinical testing. Allele origin: germline. Affected: yes. Observed: 1 variant allele.
Comment: ACOX1: PM2, BP4

Labcorp Genetics (formerly Invitae), Labcorp
Classification: Uncertain significance for Acyl-CoA oxidase deficiency. Last evaluated: 2022-09-12. Review status: criteria provided, single submitter. Criteria: Invitae Variant Classification Sherloc (09022015). Collection method: clinical testing. Allele origin: germline.
Comment: ClinVar contains an entry for this variant (Variation ID: 1387761). In summary, the available evidence is currently insufficient to determine the role of this variant in disease. Therefore, it has been classified as a Variant of Uncertain Significance. Algorithms developed to predict the effect of sequence changes on RNA splicing suggest that this variant may create or strengthen a splice site. Advanced modeling of protein sequence and biophysical properties (such as structural, functional, and spatial information, amino acid conservation, physicochemical variation, residue mobility, and thermodynamic stability) performed at Invitae indicates that this missense variant is not expected to disrupt ACOX1 protein function. This sequence change replaces histidine, which is basic and polar, with glutamine, which is neutral and polar, at codon 113 of the ACOX1 protein (p.His113Gln). This variant has not been reported in the literature in individuals affected with ACOX1-related conditions. This variant is present in population databases (rs368106231, gnomAD 0.0009%).